The following is an entry in ClinVar:

NM_032043.3(BRIP1):c.2629G>A (p.Ala877Thr)

Gene: BRIP1 (BRCA1 interacting DNA helicase 1; minus strand). Cytogenetic location: 17q23.2.
Variant type: single nucleotide variant.
Coding change: c.2629G>A on transcript NM_032043.3 (MANE Select); coding-DNA position 2629, G replaced by A.
Protein change: p.Ala877Thr; replaces alanine 877 with threonine.
Molecular consequence: missense variant.
Genome position (GRCh38, 1-based): chr17:61,686,112, C>T on the plus strand (G>A on the coding strand, the complement: BRIP1 is on the minus strand). VCF-style: chr17-61686112-C-T. GRCh37 (hg19) VCF-style: chr17-59763473-C-T.
Other names: short protein forms A877T.
Identifiers: ClinVar variation 1959206 (VCV001959206.6), dbSNP rs1567731966, ClinGen allele CA400481909.

ClinVar aggregate classification (germline): Uncertain significance. Review status: criteria provided, multiple submitters, no conflicts (2 of 4 stars). 2 submissions from 2 submitters: Uncertain significance (2). Last evaluated 2025-03-22.

Conditions:
Hereditary cancer-predisposing syndrome. Also called: Tumor predisposition; Hereditary neoplastic syndrome; Hereditary Cancer Syndrome; Neoplastic Syndromes, Hereditary. Identifiers: Orphanet 140162, MedGen C0027672, MeSH D009386, MONDO:0015356.
Familial cancer of breast. Also called: BREAST CANCER, FAMILIAL; Hereditary breast cancer; hereditary breast carcinoma. Identifiers: Orphanet 227535, MedGen C0346153, MONDO:0016419, OMIM 114480. Disease mechanism: loss of function.
Fanconi anemia complementation group J. Also called: BRIP1-Related Fanconi Anemia. Identifiers: Orphanet 84, MedGen C1836860, MONDO:0012187, OMIM 609054.

Submissions (2):

Ambry Genetics
Classification: Uncertain significance for Hereditary cancer-predisposing syndrome. Last evaluated: 2025-03-22. Review status: criteria provided, single submitter. Criteria: Ambry Variant Classification Scheme 2023. Collection method: clinical testing. Allele origin: germline.
Comment: The p.A877T variant (also known as c.2629G>A), located in coding exon 18 of the BRIP1 gene, results from a G to A substitution at nucleotide position 2629. The alanine at codon 877 is replaced by threonine, an amino acid with similar properties. This amino acid position is conserved. In addition, the in silico prediction for this alteration is inconclusive. Based on the available evidence, the clinical significance of this variant remains unclear.

Labcorp Genetics (formerly Invitae), Labcorp
Classification: Uncertain significance for Familial cancer of breast; Fanconi anemia complementation group J. Last evaluated: 2024-03-21. Review status: criteria provided, single submitter. Criteria: Invitae Variant Classification Sherloc (09022015). Collection method: clinical testing. Allele origin: germline.
Comment: This sequence change replaces alanine, which is neutral and non-polar, with threonine, which is neutral and polar, at codon 877 of the BRIP1 protein (p.Ala877Thr). This variant is not present in population databases (gnomAD no frequency). This variant has not been reported in the literature in individuals affected with BRIP1-related conditions. ClinVar contains an entry for this variant (Variation ID: 1959206). Advanced modeling of protein sequence and biophysical properties (such as structural, functional, and spatial information, amino acid conservation, physicochemical variation, residue mobility, and thermodynamic stability) has been performed at Invitae for this missense variant, however the output from this modeling did not meet the statistical confidence thresholds required to predict the impact of this variant on BRIP1 protein function. In summary, the available evidence is currently insufficient to determine the role of this variant in disease. Therefore, it has been classified as a Variant of Uncertain Significance.